The following is an entry in ClinVar:

ClinVar aggregate classification (germline): Likely benign (0 of 4 stars; one submission).

Conditions:
Treacher Collins syndrome 1 (TCS1). Also called: TCOF1-Related Treacher Collins Syndrome. Identifiers: Orphanet 861, MedGen CN315775, MONDO:0007944, OMIM 154500.

Allele frequency attached by ClinVar (database versions not stated): gnomAD 0.00146 and 0.00155; 1000 Genomes Project 30x 0.00156; 1000 Genomes Project 0.00140; TOPMed 0.00172.

Submission:

Genetics Laboratories, Oxford Radcliffe Hospitals NHS Trust
Classification: Likely benign for Treacher collins syndrome 1. Review status: no assertion criteria provided. Collection method: not provided. Allele origin: somatic.

NM_001135244.1(TCOF1):c.-59G>A

Genes: TCOF1 (treacle ribosome biogenesis factor 1; plus strand), LOC129994985 (ATAC-STARR-seq lymphoblastoid silent region 16507; plus strand). Cytogenetic location: 5q32.
Variant type: single nucleotide variant.
Coding change: c.-59G>A on transcript NM_001135244.1; 59 bases upstream of the start codon, G replaced by A.
Genome position (GRCh38, 1-based): chr5:150,357,688, G>A. VCF-style: chr5-150357688-G-A. GRCh37 (hg19) VCF-style: chr5-149737251-G-A.
Identifiers: ClinVar variation 209019 (VCV000209019.3), dbSNP rs151344563, ClinGen allele CA276077.
Genomic context (GRCh38, chr5:150,357,688, plus strand): 5'-GCGGCCGGAGCGAAAGAGGAGCCGGAAGTGTGGCGCGCGAGGTCTAAGGGCGCGAGGGAA[G>A]TGGCGGGCGGGGACTAAGGCGGGGCGTGCAGGTAGCCGGCCGGCCGGGGGTCGCGGGTAT-3'